The following is an entry in ClinVar:

ClinVar aggregate classification (germline): Pathogenic. Review status: criteria provided, multiple submitters, no conflicts (2 of 4 stars). 3 submissions from 3 submitters: Pathogenic (3). Last evaluated 2026-01-13.

Conditions:
MHC class I deficiency 1 (MHC1D1). Also called: BARE LYMPHOCYTE SYNDROME, TYPE I; BLS, TYPE I; HLA CLASS I DEFICIENCY, 1. Identifiers: MedGen C1858266, MONDO:0971006, OMIM 604571.
MHC class I deficiency. Identifiers: Orphanet 34592, MedGen C6024714, MONDO:0011476.

Allele frequency attached by ClinVar (database versions not stated): 1000 Genomes Project 0.00020; gnomAD exomes 0.00002 and 0.00001; gnomAD 0.00004 and 0.00005; TOPMed 0.00004; ESP Exome Variant Server 0.00023; 1000 Genomes Project 30x 0.00016; ExAC 0.00003.
gnomAD v4.1: 27 of 1,614,166 alleles (0.0017%); highest among the groups gnomAD compares: South Asian, 0.0033%; no homozygotes.

Submissions (3):

Labcorp Genetics (formerly Invitae), Labcorp
Classification: Pathogenic for MHC class I deficiency 1. Last evaluated: 2026-01-13. Review status: criteria provided, single submitter. Criteria: Invitae Variant Classification Sherloc (09022015). Collection method: clinical testing. Allele origin: germline.
Comment: This sequence change creates a premature translational stop signal (p.Arg438*) in the TAP1 gene. It is expected to result in an absent or disrupted protein product. Loss-of-function variants in TAP1 are known to be pathogenic (PMID: 10074494, 10074495). This variant is present in population databases (rs143800384, gnomAD 0.006%). This premature translational stop signal has been observed in individual(s) with bare lymphocyte syndrome (PMID: 16624613). ClinVar contains an entry for this variant (Variation ID: 937533). For these reasons, this variant has been classified as Pathogenic.

Genomic Medicine Center of Excellence, King Faisal Specialist Hospital and Research Centre
Classification: Pathogenic for MHC class I deficiency 1. Last evaluated: 2025-09-10. Review status: criteria provided, single submitter. Criteria: ACMG Guidelines, 2015. Collection method: clinical testing. Allele origin: germline.

Revvity Omics, Revvity
Classification: Pathogenic for MHC class I deficiency 1. Last evaluated: 2022-03-30. Review status: criteria provided, single submitter. Criteria: ACMG Guidelines, 2015. Collection method: clinical testing. Allele origin: germline.

Literature cited by the submitters: PubMed 10074494 (cited by Labcorp Genetics (formerly Invitae), Labcorp); PubMed 10074495 (cited by Labcorp Genetics (formerly Invitae), Labcorp); PubMed 16624613 (cited by Labcorp Genetics (formerly Invitae), Labcorp).

NM_000593.6(TAP1):c.1132C>T (p.Arg378Ter)

Gene: TAP1 (transporter 1, ATP binding cassette subfamily B member; minus strand). Cytogenetic location: 6p21.32.
Variant type: single nucleotide variant.
Coding change: c.1132C>T on transcript NM_000593.6 (MANE Select); coding-DNA position 1132, C replaced by T.
Protein change: p.Arg378Ter; replaces arginine 378 with a stop codon.
Molecular consequence: nonsense.
Genome position (GRCh38, 1-based): chr6:32,850,436, G>A on the plus strand (C>T on the coding strand, the complement: TAP1 is on the minus strand). VCF-style: chr6-32850436-G-A. GRCh37 (hg19) VCF-style: chr6-32818213-G-A.
Other names: c.529C>T, p.Arg177Ter (NM_001292022.2); short protein forms R177*, R378*.
Identifiers: ClinVar variation 937533 (VCV000937533.13), dbSNP rs143800384, ClinGen allele CA3746852.
Genomic context (GRCh38, chr6:32,850,436, plus strand): 5'-TTATTTCTTGCAGCTTTTCCCTAAACTTCTGGGCTTCGCCCTCCTCGTTGGCAAAGCTTC[G>A]AACTGTAGGCATGGCCGACAGAGCCTCAATGGCCACCTGGCTGGACTTTGCCAGAGATTC-3'